The following is an entry in ClinVar:

NM_000088.4(COL1A1):c.424G>A (p.Gly142Arg)

Gene: COL1A1 (collagen type I alpha 1 chain; minus strand). Cytogenetic location: 17q21.33.
Variant type: single nucleotide variant.
Coding change: c.424G>A on transcript NM_000088.4 (MANE Select); coding-DNA position 424, G replaced by A.
Protein change: p.Gly142Arg; replaces glycine 142 with arginine.
Molecular consequence: missense variant.
Genome position (GRCh38, 1-based): chr17:50,199,273, C>T on the plus strand (G>A on the coding strand, the complement: COL1A1 is on the minus strand). VCF-style: chr17-50199273-C-T. GRCh37 (hg19) VCF-style: chr17-48276634-C-T.
Other names: short protein forms G142R.
Identifiers: ClinVar variation 568371 (VCV000568371.12), dbSNP rs1567764128, ClinGen allele CA400227358.
Genomic context (GRCh38, chr17:50,199,273, plus strand): 5'-CCTCTCCACTTACTCCTCCGAGGCCAGGGGGTCCGGGAGGTCCGGGGGGTCCGGGGGGTC[C>T]GGGAAGTCCAGGCTGTCCAGGGATGCCATCTCGGCCAGGGGGGCCTGCGGGTCCCTGCAG-3'
Protein context (NP_000079.2, residues 132-152): DGIPGQPGLP[Gly142Arg]PPGPPGPPGP

ClinVar aggregate classification (germline): Conflicting classifications of pathogenicity. Review status: criteria provided, conflicting classifications (1 of 4 stars). 3 submissions from 3 submitters: Likely pathogenic (1); Uncertain significance (2). Last evaluated 2025-07-15.

Conditions:
Infantile cortical hyperostosis. Also called: Caffey Disease; P1PK BLOOD GROUP SYSTEM, P(2) PHENOTYPE; Hyperostosis, Cortical, Congenital. Identifiers: Orphanet 1310, MedGen C0020497, MONDO:0007244, OMIM 114000.
Osteogenesis imperfecta type I (OI1). Also called: OI, TYPE I; OSTEOGENESIS IMPERFECTA TARDA; OSTEOGENESIS IMPERFECTA WITH BLUE SCLERAE; Osteogenesis imperfecta type 1; Lobstein disease; Lobstein's Disease. Identifiers: Orphanet 216796, Orphanet 666, MedGen C0023931, MONDO:0008146, OMIM 166200. Disease mechanism: loss of function.

Submissions (3):

Genomics, Clalit Research Institute, Clalit Health Care
Classification: Likely pathogenic for Infantile cortical hyperostosis. Last evaluated: 2025-07-15. Review status: criteria provided, single submitter. Criteria: ACMG Guidelines, 2015. Collection method: clinical testing. Allele origin: germline. Affected: yes.
Comment: Frequency: The variant is absent from the gnomAD reference population dataset. Variant type: The variant is a novel missense change at an amino acid residue where a different missense change determined to be pathogenic has been seen before (VCV003634737.1) Prediction tools: REVEL predicts a deleterious effect on the gene or gene product (score 0.94). Clinical evidence: This variant has previously been described in ClinVar (VCV568371) with the following classifications: VUS (2).

Labcorp Genetics (formerly Invitae), Labcorp
Classification: Uncertain significance for Osteogenesis imperfecta type I. Last evaluated: 2023-10-22. Review status: criteria provided, single submitter. Criteria: Invitae Variant Classification Sherloc (09022015). Collection method: clinical testing. Allele origin: germline.
Comment: This sequence change replaces glycine, which is neutral and non-polar, with arginine, which is basic and polar, at codon 142 of the COL1A1 protein (p.Gly142Arg). This variant is not present in population databases (gnomAD no frequency). This missense change has been observed in individual(s) with clinical features of COL1A1-related conditions and/or osteogenesis imperfecta (Invitae). ClinVar contains an entry for this variant (Variation ID: 568371). Advanced modeling of protein sequence and biophysical properties (such as structural, functional, and spatial information, amino acid conservation, physicochemical variation, residue mobility, and thermodynamic stability) performed at Invitae indicates that this missense variant is expected to disrupt COL1A1 protein function with a positive predictive value of 95%. In summary, the available evidence is currently insufficient to determine the role of this variant in disease. Therefore, it has been classified as a Variant of Uncertain Significance.

GeneDx
Classification: Uncertain significance. Last evaluated: 2019-11-13. Review status: criteria provided, single submitter. Criteria: GeneDx Variant Classification Process June 2021. Collection method: clinical testing. Allele origin: germline. Affected: yes.
Comment: Has not been previously published as pathogenic or benign to our knowledge; Not observed in large population cohorts (Lek et al., 2016); In silico analysis, which includes protein predictors and evolutionary conservation, supports a deleterious effect; Not located in the triple helical region, where the majority of pathogenic missense variants occur (Stenson et al., 2014); Reported in ClinVar as a variant of uncertain significance (ClinVar Variant ID# 568371; Landrum et al., 2016)